The following is an entry in ClinVar:

ClinVar aggregate classification (germline): Likely pathogenic (1 of 4 stars; one submission).

Conditions:
Eichsfeld type congenital muscular dystrophy (CMYO3). Also called: MYOPATHY, SEPN1-RELATED; SELENON-related myopathy; Congenital myopathy 3 with rigid spine; Rigid spine muscular dystrophy 1. Identifiers: MedGen C0410180, MONDO:0100100, OMIM 602771.

Submission:

Labcorp Genetics (formerly Invitae), Labcorp
Classification: Likely pathogenic for Eichsfeld type congenital muscular dystrophy. Last evaluated: 2024-01-11. Review status: criteria provided, single submitter. Criteria: Invitae Variant Classification Sherloc (09022015). Collection method: clinical testing. Allele origin: germline.
Comment: This sequence change affects an acceptor splice site in intron 2 of the SELENON gene. It is expected to disrupt RNA splicing. Variants that disrupt the donor or acceptor splice site typically lead to a loss of protein function (PMID: 16199547), and loss-of-function variants in SELENON are known to be pathogenic (PMID: 21131290, 21670436). This variant is not present in population databases (gnomAD no frequency). This variant has not been reported in the literature in individuals affected with SELENON-related conditions. In summary, the currently available evidence indicates that the variant is pathogenic, but additional data are needed to prove that conclusively. Therefore, this variant has been classified as Likely Pathogenic.

Literature cited by the submitters: PubMed 16199547; PubMed 21131290; PubMed 21670436.

NM_206926.2(SELENON):c.301+855G>C

Gene: SELENON (selenoprotein N; plus strand). Cytogenetic location: 1p36.11.
Variant type: single nucleotide variant.
Coding change: c.301+855G>C on transcript NM_206926.2 (MANE Select); 855 bases into the intron after coding-DNA position 301, G replaced by C.
Molecular consequence: intron variant. On other transcripts: splice acceptor variant (1).
Genome position (GRCh38, 1-based): chr1:25,802,015, G>C. VCF-style: chr1-25802015-G-C. GRCh37 (hg19) VCF-style: chr1-26128506-G-C.
Other names: c.302-1G>C (NM_020451.3).
Identifiers: ClinVar variation 2730475 (VCV002730475.3), dbSNP rs2524960860, ClinGen allele CA339107440.